The following is an entry in ClinVar:

ClinVar aggregate classification (germline): Likely benign (1 of 4 stars; one submission).

gnomAD v4.1: 5 of 1,613,552 alleles (0.00031%); highest among the groups gnomAD compares: Admixed American, 0.0083%; no homozygotes.

Submission:

CeGaT Center for Human Genetics Tuebingen
Classification: Likely benign. Last evaluated: 2026-02-01. Review status: criteria provided, single submitter. Criteria: CeGaT Center For Human Genetics Tuebingen Variant Classification Criteria Version 2. Collection method: clinical testing. Allele origin: germline. Affected: yes. Observed: 1 variant allele.
Comment: SCNN1G: BP4

NM_001039.4(SCNN1G):c.1093C>T (p.Leu365=)

Gene: SCNN1G (sodium channel epithelial 1 subunit gamma; plus strand). Cytogenetic location: 16p12.2.
Variant type: single nucleotide variant.
Coding change: c.1093C>T on transcript NM_001039.4 (MANE Select); coding-DNA position 1093, C replaced by T.
Protein change: p.Leu365=; no amino-acid change (leucine 365 retained).
Molecular consequence: synonymous variant.
Genome position (GRCh38, 1-based): chr16:23,209,765, C>T. VCF-style: chr16-23209765-C-T. GRCh37 (hg19) VCF-style: chr16-23221086-C-T.
Identifiers: ClinVar variation 4823399 (VCV004823399.4).